The following is an entry in ClinVar:

ClinVar aggregate classification (germline): Uncertain significance. Review status: criteria provided, multiple submitters, no conflicts (2 of 4 stars). 3 submissions from 3 submitters: Uncertain significance (2). 1 of the submissions does not count toward it. Last evaluated 2022-12-09.

Conditions:
SLC10A1-related disorder. Also called: SLC10A1-related condition.

Allele frequency attached by ClinVar (database versions not stated): gnomAD exomes 0.00004 and 0.00018; ExAC 0.00028; TOPMed 0.00069; gnomAD 0.00077 and 0.00080; ESP Exome Variant Server 0.00085; 1000 Genomes Project 30x 0.00094; 1000 Genomes Project 0.00100.
gnomAD v4.1: 188 of 1,613,790 alleles (0.012%); highest among the groups gnomAD compares: African/African-American, 0.21%; 1 homozygote.

Submissions (3):

Mayo Clinic Laboratories, Mayo Clinic
Classification: Uncertain significance. Last evaluated: 2022-12-09. Review status: criteria provided, single submitter. Criteria: ACMG Guidelines, 2015. Collection method: clinical testing. Allele origin: germline. Observed: 1 variant allele.

Eurofins Ntd Llc (ga)
Classification: Uncertain significance. Last evaluated: 2017-03-28. Review status: criteria provided, single submitter. Criteria: EGL Classification Definitions 2015. Collection method: clinical testing. Allele origin: germline. Observed: 1 variant allele, 1 heterozygote.

PreventionGenetics, part of Exact Sciences
Classification: Likely benign for SLC10A1-related condition. Last evaluated: 2022-02-17. Review status: no assertion criteria provided. Collection method: clinical testing. Allele origin: germline. Not counted in ClinVar's aggregate classification.
Comment: This variant is classified as likely benign based on ACMG/AMP sequence variant interpretation guidelines (Richards et al. 2015 PMID: 25741868, with internal and published modifications).

Literature cited by the submitters: PubMed 32101444 (cited by Mayo Clinic Laboratories, Mayo Clinic).

NM_003049.4(SLC10A1):c.702T>G (p.Phe234Leu)

Gene: SLC10A1 (solute carrier family 10 member 1; minus strand). Cytogenetic location: 14q24.1.
Variant type: single nucleotide variant.
Coding change: c.702T>G on transcript NM_003049.4 (MANE Select); coding-DNA position 702, T replaced by G.
Protein change: p.Phe234Leu; replaces phenylalanine 234 with leucine.
Molecular consequence: missense variant.
Genome position (GRCh38, 1-based): chr14:69,779,226, A>C on the plus strand (T>G on the coding strand, the complement: SLC10A1 is on the minus strand). VCF-style: chr14-69779226-A-C. GRCh37 (hg19) VCF-style: chr14-70245943-A-C.
Other names: p.Phe234Leu; c.702T>G (NM_003049.3); short protein forms F234L.
Identifiers: ClinVar variation 501077 (VCV000501077.8), dbSNP rs139931299, ClinGen allele CA7246042.